The following is an entry in ClinVar:

NM_006922.4(SCN3A):c.1373A>G (p.Glu458Gly)

Gene: SCN3A (sodium voltage-gated channel alpha subunit 3; minus strand). Cytogenetic location: 2q24.3.
Variant type: single nucleotide variant.
Coding change: c.1373A>G on transcript NM_006922.4 (MANE Select); coding-DNA position 1373, A replaced by G.
Protein change: p.Glu458Gly; replaces glutamic acid 458 with glycine.
Molecular consequence: missense variant.
Genome position (GRCh38, 1-based): chr2:165,154,459, T>C on the plus strand (A>G on the coding strand, the complement: SCN3A is on the minus strand). VCF-style: chr2-165154459-T-C. GRCh37 (hg19) VCF-style: chr2-166010969-T-C.
Other names: c.1373A>G, p.Glu458Gly (NM_001081676.2, NM_001081677.2); short protein forms E458G.
Identifiers: ClinVar variation 1417182 (VCV001417182.8), dbSNP rs1432178925, ClinGen allele CA349237874.

ClinVar aggregate classification (germline): Uncertain significance (1 of 4 stars; one submission).

Allele frequency attached by ClinVar (database versions not stated): gnomAD exomes below 0.00001; TOPMed 0.00001.
gnomAD v4.1: 1 of 1,614,168 alleles (0.000062%); highest among the groups gnomAD compares: Middle Eastern, 0.016%; no homozygotes.

Submission:

Labcorp Genetics (formerly Invitae), Labcorp
Classification: Uncertain significance. Last evaluated: 2024-07-20. Review status: criteria provided, single submitter. Criteria: Invitae Variant Classification Sherloc (09022015). Collection method: clinical testing. Allele origin: germline.
Comment: This sequence change replaces glutamic acid, which is acidic and polar, with glycine, which is neutral and non-polar, at codon 458 of the SCN3A protein (p.Glu458Gly). This variant is present in population databases (no rsID available, gnomAD 0.007%). This variant has not been reported in the literature in individuals affected with SCN3A-related conditions. ClinVar contains an entry for this variant (Variation ID: 1417182). Advanced modeling of protein sequence and biophysical properties (such as structural, functional, and spatial information, amino acid conservation, physicochemical variation, residue mobility, and thermodynamic stability) performed at Invitae indicates that this missense variant is not expected to disrupt SCN3A protein function with a negative predictive value of 95%. In summary, the available evidence is currently insufficient to determine the role of this variant in disease. Therefore, it has been classified as a Variant of Uncertain Significance.